The following is an entry in ClinVar:

NM_001433705.1(NLRP5):c.3136G>A (p.Ala1046Thr)

Gene: NLRP5 (NLR family pyrin domain containing 5; plus strand). Cytogenetic location: 19q13.43.
Variant type: single nucleotide variant.
Coding change: c.3136G>A on transcript NM_001433705.1 (MANE Select); coding-DNA position 3136, G replaced by A.
Protein change: p.Ala1046Thr; replaces alanine 1046 with threonine.
Molecular consequence: missense variant.
Genome position (GRCh38, 1-based): chr19:56,053,798, G>A. VCF-style: chr19-56053798-G-A. GRCh37 (hg19) VCF-style: chr19-56565164-G-A.
Other names: NM_153447.4:c.3289G>A; short protein forms A1046T.
Identifiers: ClinVar variation 3059874 (VCV003059874.2), dbSNP rs3103057, ClinGen allele CA9686202.

ClinVar aggregate classification (germline): Benign (0 of 4 stars; one submission).

Conditions:
NLRP5-related disorder. Also called: NLRP5-related condition.

Allele frequency attached by ClinVar (database versions not stated): TOPMed 0.94365; gnomAD 0.94645; 1000 Genomes Project 0.89736; ExAC 0.95233; gnomAD exomes 0.96872; 1000 Genomes Project 30x 0.90006; ESP Exome Variant Server 0.95476.
gnomAD v4.1: 1,559,501 of 1,613,652 alleles (97%); highest among the groups gnomAD compares: Admixed American, 98%; 754,479 homozygotes.

Submission:

PreventionGenetics, part of Exact Sciences
Classification: Benign for NLRP5-related condition. Last evaluated: 2019-10-17. Review status: no assertion criteria provided. Collection method: clinical testing. Allele origin: germline.
Comment: This variant is classified as benign based on ACMG/AMP sequence variant interpretation guidelines (Richards et al. 2015 PMID: 25741868, with internal and published modifications).